The following continues an entry in ClinVar:

NM_001042492.3(NF1):c.6772C>T (p.Arg2258Ter)

Gene: NF1. ClinVar aggregate classification (germline): Pathogenic. Pathogenic (30).

Submissions 12 to 30 of 35:

Division of Genetic & Genomic Pathology, Hong Kong Children's Hospital
Classification: Pathogenic for Neurofibromatosis, type 1. Last evaluated: 2024-07-19. Review status: criteria provided, single submitter. Criteria: ACMG Guidelines, 2015. Collection method: clinical testing. Allele origin: de novo. Affected: yes.
Comment: The nonsense NF1 c.6709C>T variant creates a premature stop codon resulting in exon 44 (out of 57 exons), and is predicted to result in loss of protein function by nonsense-mediated mRNA decay. The variant is present at a very low frequency from control populations (gnomAD 4.1.0: total 2 in 1,613,886 alleles, absent in EAS), and has been reported in multiple patients with neurofibromatosis (PMID: 10712197, 26962827, 16479075 and ClinVar: VCV000230389.46). Multiple downstream pathogenic loss-of-function NF1 variants have been reported. This NF1 variant was not detected in the either of the parents. For these reasons, this variant is classified as pathogenic.

Genomic Medicine Center of Excellence, King Faisal Specialist Hospital and Research Centre
Classification: Pathogenic for Neurofibromatosis, type 1. Last evaluated: 2024-04-04. Review status: criteria provided, single submitter. Criteria: ACMG Guidelines, 2015. Collection method: clinical testing. Allele origin: germline.

Blueprint Genetics
Classification: Pathogenic for NF1-related disorders. Last evaluated: 2023-05-30. Review status: criteria provided, single submitter. Criteria: ACMG Guidelines, 2015. Collection method: clinical testing. Allele origin: germline. Affected: yes. Observed: 5 variant alleles.

Institute for Genomic Medicine (IGM) Clinical Laboratory, Nationwide Children's Hospital
Classification: Pathogenic for Neurofibromatosis, type 1. Last evaluated: 2022-07-01. Review status: criteria provided, single submitter. Criteria: ACMG Guidelines, 2015. Collection method: clinical testing. Allele origin: germline.
Comment: This variant is predicted to result in loss of function through nonsense-mediated decay of the encoded transcript or premature truncation of the encoded protein in a gene in which loss of function is a known mechanism of disease (ACMG/AMP: PVS1). This variant has been reported at an elevated frequency in affected individuals/in multiple affected individuals in the literature (ACMG/AMP: PS4; PMIDs:10712197, 23913538, 16479075, 26962827). This variant is absent from or present at an exceedingly low frequency in gnomAD, a large-scale control population database (ACMG/AMP: PM2).

3billion
Classification: Pathogenic for Neurofibromatosis, type 1. Last evaluated: 2022-05-22. Review status: criteria provided, single submitter. Criteria: ACMG Guidelines, 2015. Collection method: clinical testing. Allele origin: germline. Affected: yes. Observed: 1 heterozygote.
Comment: The variant is not observed in the gnomAD v2.1.1 dataset. Stop-gained (nonsense): predicted to result in a loss or disruption of normal protein function through nonsense-mediated decay (NMD) or protein truncation. Multiple pathogenic variants are reported downstream of the variant. The variant has been reported at least twice as pathogenic with clinical assertions and evidence for the classification (ClinVar ID: VCV000230389 / PMID: 10712197). Therefore, this variant is classified as pathogenic according to the recommendation of ACMG/AMP guideline.

Genome-Nilou Lab
Classification: Pathogenic for Neurofibromatosis, type 1. Last evaluated: 2022-03-15. Review status: criteria provided, single submitter. Criteria: ACMG Guidelines, 2015. Collection method: clinical testing. Allele origin: germline. Affected: no.

GeneDx
Classification: Pathogenic. Last evaluated: 2022-02-02. Review status: criteria provided, single submitter. Criteria: GeneDx Variant Classification Process June 2021. Collection method: clinical testing. Allele origin: germline. Affected: yes.
Comment: Nonsense variant predicted to result in protein truncation or nonsense mediated decay in a gene for which loss-of-function is a known mechanism of disease; Not observed at significant frequency in large population cohorts (gnomAD); This variant is associated with the following publications: (PMID: 26962827, 10712197, 16479075, 25525159, 12112660, 27498913, 27617404, 12552569, 23913538, 10862084, 34308366, 31730495, 31717729, 31533797, 31370276, 32283115, 31776437)

Victorian Clinical Genetics Services, Murdoch Childrens Research Institute
Classification: Pathogenic for Neurofibromatosis, type 1. Last evaluated: 2022-02-02. Review status: criteria provided, single submitter. Criteria: ACMG Guidelines, 2015. Collection method: clinical testing. Allele origin: germline. Inheritance: Autosomal dominant inheritance.
Comment: Based on the classification scheme VCGS_Germline_v1.3.4, this variant is classified as Pathogenic. Following criteria are met: 0102 - Loss-of-function is a known mechanism of disease for this gene and is associated with NF1-related disorders. (I) 0107 - This gene is associated with autosomal dominant disease. (I) 0115 - Variants in this gene are known to have variable expressivity. A child can be more or less severly affected than a heterozygote parent (GeneReviews). (I) 0201 - Variant is predicted to cause nonsense-mediated decay (NMD) and loss of protein (premature termination codon is located at least 54 nucleotides upstream of the final exon-exon junction). (SP) 0251 - Variant is heterozygous. (I) 0301 - Variant is absent from gnomAD (both v2 and v3). (SP) 0701 - Other NMD predicted variants comparable to the one identified in this case have very strong previous evidence for pathogenicity (ClinVar, DECIPHER). (SP) 0801 - This variant has strong previous evidence of pathogenicity in unrelated individuals. The variant has previously been reported as pathogenic in multiple patients with NF1, including some cases with confirmed de novo inheritance (ClinVar, PMID: 10712197, 31776437). (SP) 1208 - Inheritance information for this variant is not currently available. (SB) Legend: (SP) - Supporting pathogenic, (I) - Information, (SB) - Supporting benign

Department of Pediatrics, Memorial Sloan Kettering Cancer Center
Classification: Pathogenic for Neurofibromatosis, type 1. Last evaluated: 2020-12-15. Review status: criteria provided, single submitter. Criteria: ACMG Guidelines, 2015. Collection method: research. Allele origin: germline. Affected: yes.

Genome Diagnostics Laboratory, The Hospital for Sick Children
Classification: Pathogenic for Neurofibromatosis, type 1. Last evaluated: 2020-10-26. Review status: criteria provided, single submitter. Criteria: ACMG Guidelines, 2015. Collection method: clinical testing. Allele origin: germline. Affected: yes.

Institute of Medical Genetics and Applied Genomics, University Hospital Tübingen
Classification: Pathogenic. Last evaluated: 2020-10-23. Review status: criteria provided, single submitter. Criteria: ACMG Guidelines, 2015. Collection method: clinical testing. Allele origin: germline. Inheritance: Unknown mechanism. Affected: yes.

Medical Genetics, University of Parma
Classification: Pathogenic for Neurofibromatosis, type 1. Last evaluated: 2019-12-20. Review status: criteria provided, single submitter. Criteria: ACMG Guidelines, 2015. Collection method: clinical testing. Allele origin: germline. Affected: yes.

Mendelics
Classification: Pathogenic for Neurofibromatosis, type 1. Last evaluated: 2019-05-28. Review status: criteria provided, single submitter. Criteria: Mendelics Assertion Criteria 2017. Collection method: clinical testing. Allele origin: unknown.

The Laboratory of Genetics and Metabolism, Hunan Children’s Hospital
Classification: Pathogenic for Neurofibromatosis, type 1; Tibial pseudoarthrosis. Last evaluated: 2018-11-10. Review status: criteria provided, single submitter. Criteria: ACMG Guidelines, 2015. Collection method: research. Allele origin: de novo. Affected: yes. Observed: 1 variant allele.

Center for Human Genetics, Inc
Classification: Pathogenic for Neurofibromatosis, type 1. Last evaluated: 2016-11-01. Review status: criteria provided, single submitter. Criteria: ACMG Guidelines, 2015. Collection method: clinical testing. Allele origin: germline. Affected: yes.

Ambry Genetics
Classification: Pathogenic for Hereditary cancer-predisposing syndrome. Last evaluated: 2015-01-08. Review status: criteria provided, single submitter. Criteria: Ambry Autosomal Dominant and X-Linked criteria (10/2015). Collection method: clinical testing. Allele origin: germline. Observed: 1 variant allele.
Comment: Ã¢â‚¬â€¹Thep.R2258*pathogenic mutation (also known as c.6772C>T, p.R2237X, and c.6709C>T)<span style="font-size:12.7272720336914px">located in coding exon 45 of theNF1<span style="font-size:12.7272720336914px">gene, results from a C to T substitution at nucleotide position 6772. This changes the amino acid from an arginine to a stop codon within coding exon 45. This alteration was first described in three unrelated individuals who all met NIH diagnostic criteria forneurofibromatosis type 1 (NF1) (Fahsold R et al.Am J Hum Genet.2000;66(3):790-818). This alteration is a recurring mutation due to being located in a CpG dinucleotide. In addition to the clinical data presented in the literature, since premature stop codons are typically deleterious in nature, this alteration is interpreted as a disease-causing mutation (ACMG Recommendations for Standards for Interpretation and Reporting of Sequence Variations. Revision 2007.Genet Med.2008;10:294).

Clinical Genetics Service, Universitary Hospital 12 de Octubre
Classification: Pathogenic for Neurofibromatosis, type 1. Review status: criteria provided, single submitter. Criteria: ACMG Guidelines, 2015. Collection method: clinical testing. Allele origin: de novo. Affected: yes.

Juno Genomics, Hangzhou Juno Genomics, Inc
Classification: Pathogenic for Neurofibromatosis, type 1; Juvenile myelomonocytic leukemia; Neurofibromatosis, familial spinal; Neurofibromatosis-Noonan syndrome; Café-au-lait macules with pulmonary stenosis. Review status: criteria provided, single submitter. Criteria: ACMG Guidelines, 2015. Collection method: clinical testing. Allele origin: germline. Affected: yes.
Comment: Absent from controls (or at extremely low frequency if recessive) in Genome Aggregation Database, Exome Sequencing Project, 1000 Genomes Project, or Exome Aggregation Consortium.;Null variant in a gene where loss of function (LOF) is a known mechanism of disease.;Assumed de novo, but without confirmation of paternity and maternity.;The prevalence of the variant in affected individuals is significantly increased compared to the prevalence in controls.;Co-segregation with disease in multiple affected family members in a gene definitively known to cause the disease.;Patient's phenotype or family history is highly specific for a disease with a single genetic etiology.

Suma Genomics
Classification: Pathogenic for Neurofibromatosis, type 1. Review status: criteria provided, single submitter. Criteria: ACMG Guidelines, 2015. Collection method: clinical testing. Allele origin: germline. Inheritance: Autosomal dominant inheritance. Affected: yes. Observed: 1 heterozygote.